The following is an entry in ClinVar:

NM_005159.4(ACTC1):c.*1004A>G

Genes: GJD2-DT (GJD2 divergent transcript; plus strand), ACTC1 (actin alpha cardiac muscle 1; minus strand). Cytogenetic location: 15q14.
Variant type: single nucleotide variant.
Coding change: c.*1004A>G on transcript NM_005159.4; 1004 bases downstream of the stop codon, A replaced by G.
Genome position (GRCh38, 1-based): chr15:34,789,408, T>C on the plus strand (A>G on the coding strand, the complement: ACTC1 is on the minus strand). VCF-style: chr15-34789408-T-C. GRCh37 (hg19) VCF-style: chr15-35081609-T-C.
Identifiers: ClinVar variation 315669 (VCV000315669.7), dbSNP rs116034611, ClinGen allele CA10645758.

ClinVar aggregate classification (germline): Likely benign. Review status: criteria provided, single submitter (1 of 4 stars). 2 submissions from 1 submitter: Likely benign (2). Last evaluated 2018-01-13.

Conditions:
Hypertrophic cardiomyopathy 11. Also called: ACTC1-Related Familial Hypertrophic Cardiomyopathy. Identifiers: MedGen C2677506, MONDO:0012799, OMIM 612098.
Dilated cardiomyopathy 1R (CMD1R). Identifiers: Orphanet 154, Orphanet 54260, MedGen C3150681, MONDO:0013261, OMIM 613424.

Allele frequency attached by ClinVar (database versions not stated): 1000 Genomes Project 0.00479; gnomAD 0.00644 and 0.00698; gnomAD exomes 0.00035; 1000 Genomes Project 30x 0.00515; TOPMed 0.00736.

Submissions (2):

Illumina Laboratory Services, Illumina
Classification: Likely benign for Dilated cardiomyopathy 1R. Last evaluated: 2018-01-13. Review status: criteria provided, single submitter. Criteria: ICSL Variant Classification Criteria 13 December 2019. Collection method: clinical testing. Allele origin: germline.
Comment: This variant was observed in the ICSL laboratory as part of a predisposition screen in an ostensibly healthy population. It had not been previously curated by ICSL or reported in the Human Gene Mutation Database (HGMD: prior to June 1st, 2018), and was therefore a candidate for classification through an automated scoring system. Utilizing variant allele frequency, disease prevalence and penetrance estimates, and inheritance mode, an automated score was calculated to assess if this variant is too frequent to cause the disease. Based on the score and internal cut-off values, a variant classified as likely benign is not then subjected to further curation. The score for this variant resulted in a classification of likely benign for this disease.

Illumina Laboratory Services, Illumina
Classification: Likely benign for Hypertrophic cardiomyopathy 11. Last evaluated: 2018-01-13. Review status: criteria provided, single submitter. Criteria: ICSL Variant Classification Criteria 13 December 2019. Collection method: clinical testing. Allele origin: germline.
Comment: the same text as in the submission from Illumina Laboratory Services, Illumina above.